The following is an entry in ClinVar:

NM_001288705.3(CSF1R):c.2343G>A (p.Ala781=)

Gene: CSF1R (colony stimulating factor 1 receptor; minus strand). Cytogenetic location: 5q32.
Variant type: single nucleotide variant.
Coding change: c.2343G>A on transcript NM_001288705.3 (MANE Select); coding-DNA position 2343, G replaced by A.
Protein change: p.Ala781=; no amino-acid change (alanine 781 retained).
Molecular consequence: synonymous variant. On other transcripts: non-coding transcript variant (2).
Genome position (GRCh38, 1-based): chr5:150,056,318, C>T on the plus strand (G>A on the coding strand, the complement: CSF1R is on the minus strand). VCF-style: chr5-150056318-C-T. GRCh37 (hg19) VCF-style: chr5-149435881-C-T.
Other names: c.2343G>A, p.Ala781= (NM_001349736.2, NM_001375320.1, NM_005211.4); c.1899G>A, p.Ala633= (NM_001375321.1); c.2343G>A (NM_005211.3).
Identifiers: ClinVar variation 2415885 (VCV002415885.9), dbSNP rs55804445, ClinGen allele CA3506451.

ClinVar aggregate classification (germline): Benign. Review status: criteria provided, single submitter (1 of 4 stars). 2 submissions from 2 submitters: Benign (1). 1 of the submissions does not count toward it. Last evaluated 2024-12-04.

Conditions:
CSF1R-related disorder. Also called: CSF1R-related condition. Identifiers: MedGen CN379780, MONDO:0100632.

Allele frequency attached by ClinVar (database versions not stated): TOPMed 0.00004; ExAC 0.00005; gnomAD 0.00005.
gnomAD v4.1: 27 of 1,614,024 alleles (0.0017%); highest among the groups gnomAD compares: African/African-American, 0.008%; no homozygotes.

Submissions (2):

Labcorp Genetics (formerly Invitae), Labcorp
Classification: Benign. Last evaluated: 2024-12-04. Review status: criteria provided, single submitter. Criteria: Invitae Variant Classification Sherloc (09022015). Collection method: clinical testing. Allele origin: germline.

PreventionGenetics, part of Exact Sciences
Classification: Likely benign for CSF1R-related condition. Last evaluated: 2023-11-01. Review status: no assertion criteria provided. Collection method: clinical testing. Allele origin: germline. Not counted in ClinVar's aggregate classification.
Comment: This variant is classified as likely benign based on ACMG/AMP sequence variant interpretation guidelines (Richards et al. 2015 PMID: 25741868, with internal and published modifications).